The following is an entry in ClinVar:

ClinVar aggregate classification (germline): Likely benign (1 of 4 stars; one submission).

Allele frequency attached by ClinVar (database versions not stated): ExAC 0.00001; gnomAD exomes 0.00003.
gnomAD v4.1: 16 of 1,614,186 alleles (0.00099%); highest among the groups gnomAD compares: South Asian, 0.018%; no homozygotes.

Submission:

CeGaT Center for Human Genetics Tuebingen
Classification: Likely benign. Last evaluated: 2022-08-01. Review status: criteria provided, single submitter. Criteria: CeGaT Center For Human Genetics Tuebingen Variant Classification Criteria Version 2. Collection method: clinical testing. Allele origin: germline. Affected: yes. Observed: 1 variant allele.
Comment: LPIN3: BP4, BP7

NM_022896.3(LPIN3):c.558T>C (p.Gly186=)

Gene: LPIN3 (lipin 3; plus strand). Cytogenetic location: 20q12.
Variant type: single nucleotide variant.
Coding change: c.558T>C on transcript NM_022896.3 (MANE Select); coding-DNA position 558, T replaced by C.
Protein change: p.Gly186=; no amino-acid change (glycine 186 retained).
Molecular consequence: synonymous variant. On other transcripts: non-coding transcript variant (1).
Genome position (GRCh38, 1-based): chr20:41,349,092, T>C. VCF-style: chr20-41349092-T-C. GRCh37 (hg19) VCF-style: chr20-39977732-T-C.
Other names: c.561T>C, p.Ser187= (NM_001301860.2).
Identifiers: ClinVar variation 2652328 (VCV002652328.24), dbSNP rs778302093, ClinGen allele CA9860392.